The following is an entry in ClinVar:

ClinVar aggregate classification (germline): Pathogenic (1 of 4 stars; one submission).

Conditions:
Hereditary cancer-predisposing syndrome. Also called: Tumor predisposition; Hereditary neoplastic syndrome; Neoplastic Syndromes, Hereditary; Hereditary Cancer Syndrome. Identifiers: Orphanet 140162, MedGen C0027672, MeSH D009386, MONDO:0015356.

Submission:

Labcorp Genetics (formerly Invitae), Labcorp
Classification: Pathogenic for Hereditary cancer-predisposing syndrome. Last evaluated: 2023-03-24. Review status: criteria provided, single submitter. Criteria: Invitae Variant Classification Sherloc (09022015). Collection method: clinical testing. Allele origin: germline.
Comment: This sequence change creates a premature translational stop signal (p.Met293Trpfs*12) in the RAD50 gene. It is expected to result in an absent or disrupted protein product. Loss-of-function variants in RAD50 are known to be pathogenic (PMID: 19409520). This variant is not present in population databases (gnomAD no frequency). This variant has not been reported in the literature in individuals affected with RAD50-related conditions. ClinVar contains an entry for this variant (Variation ID: 1072151). For these reasons, this variant has been classified as Pathogenic.

Literature cited by the submitters: PubMed 19409520.

NM_005732.4(RAD50):c.877del (p.Met293fs)

Gene: RAD50 (RAD50 double strand break repair protein; plus strand). Cytogenetic location: 5q31.1.
Variant type: Deletion.
Coding change: c.877del on transcript NM_005732.4 (MANE Select); coding-DNA position 877, one base deleted (A; older notation c.877delA).
Protein change: p.Met293fs; shifts the reading frame from methionine 293.
Molecular consequence: frameshift variant.
Genome position (GRCh38, 1-based): chr5:132,587,682, A deleted; the last of 4 consecutive A bases (chr5:132,587,679-132,587,682); deleting any one gives the same sequence. VCF-style (leftmost placement, unchanged base first): chr5-132587678-GA-G. GRCh37 (hg19) VCF-style: chr5-131923370-GA-G.
Other names: short protein forms M293fs.
Identifiers: ClinVar variation 1072151 (VCV001072151.7), dbSNP rs2149840475, ClinGen allele CA2499217564.